The following is an entry in ClinVar:

NM_020928.2(ZSWIM6):c.2888T>C (p.Ile963Thr)

Gene: ZSWIM6 (zinc finger SWIM-type containing 6; plus strand). Cytogenetic location: 5q12.1.
Variant type: single nucleotide variant.
Coding change: c.2888T>C on transcript NM_020928.2 (MANE Select); coding-DNA position 2888, T replaced by C.
Protein change: p.Ile963Thr; replaces isoleucine 963 with threonine.
Molecular consequence: missense variant.
Genome position (GRCh38, 1-based): chr5:61,543,557, T>C. VCF-style: chr5-61543557-T-C. GRCh37 (hg19) VCF-style: chr5-60839384-T-C.
Other names: short protein forms I963T.
Identifiers: ClinVar variation 1434053 (VCV001434053.8), dbSNP rs769694259, ClinGen allele CA3278487.

ClinVar aggregate classification (germline): Uncertain significance (1 of 4 stars; one submission).

Allele frequency attached by ClinVar (database versions not stated): gnomAD 0.00001; gnomAD exomes 0.00001; ExAC 0.00005.
gnomAD v4.1: 9 of 1,551,214 alleles (0.00058%); highest among the groups gnomAD compares: Admixed American, 0.0059%; no homozygotes.

Submission:

Labcorp Genetics (formerly Invitae), Labcorp
Classification: Uncertain significance. Last evaluated: 2022-09-06. Review status: criteria provided, single submitter. Criteria: Invitae Variant Classification Sherloc (09022015). Collection method: clinical testing. Allele origin: germline.
Comment: This variant is present in population databases (rs769694259, gnomAD 0.004%). This variant has not been reported in the literature in individuals affected with ZSWIM6-related conditions. ClinVar contains an entry for this variant (Variation ID: 1434053). Algorithms developed to predict the effect of missense changes on protein structure and function are either unavailable or do not agree on the potential impact of this missense change (SIFT: "Deleterious"; PolyPhen-2: "Benign"; Align-GVGD: "Class C0"). In summary, the available evidence is currently insufficient to determine the role of this variant in disease. Therefore, it has been classified as a Variant of Uncertain Significance. This sequence change replaces isoleucine, which is neutral and non-polar, with threonine, which is neutral and polar, at codon 963 of the ZSWIM6 protein (p.Ile963Thr).